The following is an entry in ClinVar:

NM_005609.4(PYGM):c.1354G>A (p.Ala452Thr)

Gene: PYGM (glycogen phosphorylase, muscle associated; minus strand). Cytogenetic location: 11q13.1.
Variant type: single nucleotide variant.
Coding change: c.1354G>A on transcript NM_005609.4 (MANE Select); coding-DNA position 1354, G replaced by A.
Protein change: p.Ala452Thr; replaces alanine 452 with threonine.
Molecular consequence: missense variant.
Genome position (GRCh38, 1-based): chr11:64,753,568, C>T on the plus strand (G>A on the coding strand, the complement: PYGM is on the minus strand). VCF-style: chr11-64753568-C-T. GRCh37 (hg19) VCF-style: chr11-64521040-C-T.
Other names: c.1090G>A, p.Ala364Thr (NM_001164716.1); short protein forms A364T, A452T.
Identifiers: ClinVar variation 1344579 (VCV001344579.6), dbSNP rs746021869, ClinGen allele CA6079905.

ClinVar aggregate classification (germline): Conflicting classifications of pathogenicity. Review status: criteria provided, conflicting classifications (1 of 4 stars). 2 submissions from 2 submitters: Likely pathogenic (1); Uncertain significance (1). Last evaluated 2023-10-14.

Conditions:
Tip-toe gait. Also called: Toe walking. Identifiers: MedGen C0427144, HP:0030051.
Glycogen storage disease, type V (GSD5). Also called: MCARDLE DISEASE; MUSCLE GLYCOGEN PHOSPHORYLASE DEFICIENCY; MYOPHOSPHORYLASE DEFICIENCY; PYGM DEFICIENCY; McArdle type glycogen storage disease. Identifiers: Orphanet 368, MedGen C0017924, MONDO:0009293, OMIM 232600.

Allele frequency attached by ClinVar (database versions not stated): gnomAD exomes 0.00001 and below 0.00001; gnomAD 0.00002; ExAC 0.00001; TOPMed 0.00001.
gnomAD v4.1: 11 of 1,602,978 alleles (0.00069%); highest among the groups gnomAD compares: African/African-American, 0.0053%; no homozygotes.

Submissions (2):

Labcorp Genetics (formerly Invitae), Labcorp
Classification: Uncertain significance for Glycogen storage disease, type V. Last evaluated: 2023-10-14. Review status: criteria provided, single submitter. Criteria: Invitae Variant Classification Sherloc (09022015). Collection method: clinical testing. Allele origin: germline.
Comment: This sequence change replaces alanine, which is neutral and non-polar, with threonine, which is neutral and polar, at codon 452 of the PYGM protein (p.Ala452Thr). The frequency data for this variant in the population databases is considered unreliable, as metrics indicate poor data quality at this position in the gnomAD database. This variant has not been reported in the literature in individuals affected with PYGM-related conditions. ClinVar contains an entry for this variant (Variation ID: 1344579). Advanced modeling of protein sequence and biophysical properties (such as structural, functional, and spatial information, amino acid conservation, physicochemical variation, residue mobility, and thermodynamic stability) performed at Invitae indicates that this missense variant is not expected to disrupt PYGM protein function. In summary, the available evidence is currently insufficient to determine the role of this variant in disease. Therefore, it has been classified as a Variant of Uncertain Significance.

Practice for Gait Abnormalities, David Pomarino, Competency Network Toe Walking C/o Practice Pomarino
Classification: Likely pathogenic for Tip-toe gait. Last evaluated: 2021-06-30. Review status: criteria provided, single submitter. Criteria: ACMG Guidelines, 2015. Collection method: clinical testing. Allele origin: germline. Affected: yes.
Comment: Toe Walking has various causes, ranging from idiopathic or habitual reasons to an underlying neuromuscular disease. The most observed form of toe walking is idiopathic toe walking (ITW) - a diagnosis of exclusion. ITW occurs in about 5% of children after their second birthday and is a common problem in pediatric orthopedics. In about 70% of these cases, there is spontaneous remission within six months of the onset of ITW. If the toe walk persists, one can assume the presence of a non-idiopathic form of toe walk (n-ITW). In n-ITW, the causes of the abnormal gait are neurological or myogenic. Differential diagnoses such as infantile cerebral palsy, muscular dystrophy, spinal amyotrophy and hereditary motor-sensory neuropathy as well as rare metabolic disorders of the musculature must be considered (Pomarino et al., 2018). In our clinical ITW consultation, we screen children with n-ITW for a genetic form of tiptoe gait using next generation sequencing for gene variants in 49 genes. These are genes in which gene variants can lead to neuromuscular diseases in which an association with toe-tapping gait has been reported or can be suspected due to patients’ clinical symptoms. To the best of our knowledge, this is the first study in which several patients with toe walking displayed heterozygosity for pathogenic or likely pathogenic PYGM mutations and mild symptoms of the metabolic muscle disease McArdle. The findings of our research are in line with recently published observations in heterozygous family members patients with McArdle disease. We should mention that some of the patients in our cohort harbored heterozygous variants in other genes of our gene panel. However, the numbers in this study were too small to workout any resulting combined genetic effects. It is concluded that genetic conditions can contribute to the development of toe walking. Apparently, even a slight genetic weakening of the muscles can lead to changes to the gait pattern. Future studies must show how the pathomechanism can be explained for the PYGM variants and whether there are new therapeutic approaches to be developed based on this research.

Literature cited by the submitters: PubMed 29881221 (cited by Practice for Gait Abnormalities, David Pomarino, Competency Network Toe Walking C/o Practice Pomarino); DOI 10.1016/j.rchot.2016.09.001 (cited by Practice for Gait Abnormalities, David Pomarino, Competency Network Toe Walking C/o Practice Pomarino); DOI 10.51793/OS.2022.25.6.010 (cited by Practice for Gait Abnormalities, David Pomarino, Competency Network Toe Walking C/o Practice Pomarino).